The following is an entry in ClinVar:

ClinVar aggregate classification (germline): Uncertain significance (1 of 4 stars; one submission).

Conditions:
Fanconi anemia complementation group O. Also called: RAD51C-Related Fanconi Anemia. Identifiers: Orphanet 84, MedGen C3150653, MONDO:0013248, OMIM 613390.

Submission:

Labcorp Genetics (formerly Invitae), Labcorp
Classification: Uncertain significance for Fanconi anemia complementation group O. Last evaluated: 2023-11-24. Review status: criteria provided, single submitter. Criteria: Invitae Variant Classification Sherloc (09022015). Collection method: clinical testing. Allele origin: germline.
Comment: This sequence change replaces leucine, which is neutral and non-polar, with arginine, which is basic and polar, at codon 39 of the RAD51C protein (p.Leu39Arg). This variant is not present in population databases (gnomAD no frequency). This variant has not been reported in the literature in individuals affected with RAD51C-related conditions. Advanced modeling of protein sequence and biophysical properties (such as structural, functional, and spatial information, amino acid conservation, physicochemical variation, residue mobility, and thermodynamic stability) performed at Invitae indicates that this missense variant is not expected to disrupt RAD51C protein function with a negative predictive value of 80%. In summary, the available evidence is currently insufficient to determine the role of this variant in disease. Therefore, it has been classified as a Variant of Uncertain Significance.

NM_058216.3(RAD51C):c.116T>G (p.Leu39Arg)

Gene: RAD51C (RAD51 paralog C; plus strand). Cytogenetic location: 17q22.
Variant type: single nucleotide variant.
Coding change: c.116T>G on transcript NM_058216.3 (MANE Select); coding-DNA position 116, T replaced by G.
Protein change: p.Leu39Arg; replaces leucine 39 with arginine.
Molecular consequence: missense variant. On other transcripts: non-coding transcript variant (1).
Genome position (GRCh38, 1-based): chr17:58,692,759, T>G. VCF-style: chr17-58692759-T-G. GRCh37 (hg19) VCF-style: chr17-56770120-T-G.
Other names: c.116T>G, p.Leu39Arg (NM_002876.4, NM_058217.1); short protein forms L39R.
Identifiers: ClinVar variation 2698556 (VCV002698556.3), dbSNP rs2509262221, ClinGen allele CA400337538.